The following is an entry in ClinVar:

ClinVar aggregate classification (germline): Conflicting classifications of pathogenicity. Review status: criteria provided, conflicting classifications (1 of 4 stars). 3 submissions from 3 submitters: Uncertain significance (2); Likely benign (1). Last evaluated 2024-05-10.

Conditions:
Hennekam lymphangiectasia-lymphedema syndrome 2 (HKLLS2). Identifiers: Orphanet 2136, MedGen C4014939, MONDO:0014454, OMIM 616006.
Van Maldergem syndrome 2 (VMLDS2). Identifiers: Orphanet 314679, MedGen C3809875, MONDO:0014242, OMIM 615546.
Inborn genetic diseases. Identifiers: MedGen C0950123, MeSH D030342.

Allele frequency attached by ClinVar (database versions not stated): gnomAD exomes 0.00006; ExAC 0.00007; gnomAD 0.00017 and 0.00019; ESP Exome Variant Server 0.00023; TOPMed 0.00025.
gnomAD v4.1: 56 of 1,613,604 alleles (0.0035%); highest among the groups gnomAD compares: African/African-American, 0.071%; no homozygotes.

Submissions (3):

Fulgent Genetics
Classification: Uncertain significance for Van Maldergem syndrome 2; Hennekam lymphangiectasia-lymphedema syndrome 2. Last evaluated: 2024-05-10. Review status: criteria provided, single submitter. Criteria: ACMG Guidelines, 2015. Collection method: clinical testing. Allele origin: germline.

Labcorp Genetics (formerly Invitae), Labcorp
Classification: Likely benign. Last evaluated: 2024-02-18. Review status: criteria provided, single submitter. Criteria: Invitae Variant Classification Sherloc (09022015). Collection method: clinical testing. Allele origin: germline.

Ambry Genetics
Classification: Uncertain significance for Inborn genetic diseases. Last evaluated: 2020-10-21. Review status: criteria provided, single submitter. Criteria: Ambry Variant Classification Scheme 2023. Collection method: clinical testing. Allele origin: germline.
Comment: The c.8806C>A (p.Q2936K) alteration is located in exon 9 (coding exon 9) of the FAT4 gene. This alteration results from a C to A substitution at nucleotide position 8806, causing the glutamine (Q) at amino acid position 2936 to be replaced by a lysine (K). Based on data from the Genome Aggregation Database (gnomAD) database, the FAT4 c.8806C>A alteration was observed in 0.01% (21/281458) of total alleles studied, with a frequency of 0.08% (20/24890) in the African subpopulation. This amino acid position is well conserved in available vertebrate species. The p.Q2936K alteration is predicted to be tolerated by in silico analysis. Based on insufficient or conflicting evidence, the clinical significance of this alteration remains unclear.

NM_001291303.3(FAT4):c.8812C>A (p.Gln2938Lys)

Gene: FAT4 (FAT atypical cadherin 4; plus strand). Cytogenetic location: 4q28.1.
Variant type: single nucleotide variant.
Coding change: c.8812C>A on transcript NM_001291303.3 (MANE Select); coding-DNA position 8812, C replaced by A.
Protein change: p.Gln2938Lys; replaces glutamine 2938 with lysine.
Molecular consequence: missense variant.
Genome position (GRCh38, 1-based): chr4:125,449,822, C>A. VCF-style: chr4-125449822-C-A. GRCh37 (hg19) VCF-style: chr4-126370977-C-A.
Other names: c.8806C>A (NM_024582.4, NM_024582.5); c.8812C>A, p.Gln2938Lys (NM_001291285.3); c.8806C>A, p.Gln2936Lys (NM_024582.6); short protein forms Q2936K, Q2938K.
Identifiers: ClinVar variation 1635280 (VCV001635280.10), dbSNP rs370499753, ClinGen allele CA3073429.